The following is an entry in ClinVar:

ClinVar aggregate classification (germline): Likely benign. Review status: criteria provided, multiple submitters, no conflicts (2 of 4 stars). 2 submissions from 2 submitters: Likely benign (2). Last evaluated 2023-08-31.

Conditions:
Pyruvate dehydrogenase E3 deficiency (DLDD). Also called: MAPLE SYRUP URINE DISEASE, TYPE III; Dihydrolipoamide Dehydrogenase E3 Deficiency; Lipoamide dehydrogenase deficiency, lactic acidosis due to; Lipoamide dehydrogenase deficiency; Dihydrolipoamide Dehydrogenase Deficiency; Dihydrolipoamide Dehydrogenase (E3) Deficiency. Identifiers: Orphanet 2394, Orphanet 765, MedGen C5574660, MONDO:0009529, OMIM 246900.

Allele frequency attached by ClinVar (database versions not stated): ExAC 0.00001; gnomAD exomes 0.00001.

Submissions (2):

Labcorp Genetics (formerly Invitae), Labcorp
Classification: Likely benign for Pyruvate dehydrogenase E3 deficiency. Last evaluated: 2023-08-31. Review status: criteria provided, single submitter. Criteria: Invitae Variant Classification Sherloc (09022015). Collection method: clinical testing. Allele origin: germline.

GeneDx
Classification: Likely benign. Last evaluated: 2016-09-02. Review status: criteria provided, single submitter. Criteria: GeneDx Variant Classification (06012015). Collection method: clinical testing. Allele origin: germline. Affected: yes.
Comment: This variant is considered likely benign or benign based on one or more of the following criteria: it is a conservative change, it occurs at a poorly conserved position in the protein, it is predicted to be benign by multiple in silico algorithms, and/or has population frequency not consistent with disease.

NM_000108.5(DLD):c.1182C>T (p.Tyr394=)

Gene: DLD (dihydrolipoamide dehydrogenase; plus strand). Cytogenetic location: 7q31.1.
Variant type: single nucleotide variant.
Coding change: c.1182C>T on transcript NM_000108.5 (MANE Select); coding-DNA position 1182, C replaced by T.
Protein change: p.Tyr394=; no amino-acid change (tyrosine 394 retained).
Molecular consequence: synonymous variant.
Genome position (GRCh38, 1-based): chr7:107,917,408, C>T. VCF-style: chr7-107917408-C-T. GRCh37 (hg19) VCF-style: chr7-107557853-C-T.
Other names: c.885C>T, p.Tyr295= (NM_001289750.1); c.1113C>T, p.Tyr371= (NM_001289751.1); c.1038C>T, p.Tyr346= (NM_001289752.1).
Identifiers: ClinVar variation 388757 (VCV000388757.10), dbSNP rs757087726, ClinGen allele CA4434638.